The following is an entry in ClinVar:

ClinVar aggregate classification (germline): Pathogenic. Review status: criteria provided, multiple submitters, no conflicts (2 of 4 stars). 2 submissions from 2 submitters: Pathogenic (2). Last evaluated 2024-10-27.

Conditions:
Fanconi anemia (FA). Also called: Fanconi's anemia. Identifiers: Orphanet 84, MedGen C0015625, MeSH D005199, MONDO:0019391.
Fanconi anemia complementation group C (FANCC). Also called: FANCC-Related Fanconi Anemia; FANCONI PANCYTOPENIA, TYPE 3; FACC; Fanconi anemia, group C. Identifiers: Orphanet 84, MedGen C3468041, MONDO:0009213, OMIM 227645.

Submissions (2):

Myriad Genetics, Inc.
Classification: Pathogenic for Fanconi anemia complementation group C. Last evaluated: 2024-10-27. Review status: criteria provided, single submitter. Criteria: Myriad Autosomal Dominant, Autosomal Recessive and X-Linked Classification Criteria (2023). Collection method: clinical testing. Allele origin: unknown.
Comment: NM_000136.2(FANCC):c.532G>T(E178*) is expected to be pathogenic in the context of Fanconi anemia, FANCC-related. This variant is predicted to lead to an abnormal or absent protein product due to the creation of a premature termination codon in FANCC, a gene where loss-of-function variants are known to be pathogenic. Please note: this variant was assessed in the context of healthy population screening.

Labcorp Genetics (formerly Invitae), Labcorp
Classification: Pathogenic for Fanconi anemia. Last evaluated: 2022-01-05. Review status: criteria provided, single submitter. Criteria: Invitae Variant Classification Sherloc (09022015). Collection method: clinical testing. Allele origin: germline.
Comment: For these reasons, this variant has been classified as Pathogenic. This variant has not been reported in the literature in individuals affected with FANCC-related conditions. This variant is not present in population databases (gnomAD no frequency). This sequence change creates a premature translational stop signal (p.Glu178*) in the FANCC gene. It is expected to result in an absent or disrupted protein product. Loss-of-function variants in FANCC are known to be pathogenic (PMID: 17924555).

Literature cited by the submitters: PubMed 17924555 (cited by Labcorp Genetics (formerly Invitae), Labcorp).

NM_000136.3(FANCC):c.532G>T (p.Glu178Ter)

Genes: AOPEP (aminopeptidase O (putative); plus strand), FANCC (FA complementation group C; minus strand). Cytogenetic location: 9q22.32.
Variant type: single nucleotide variant.
Coding change: c.532G>T on transcript NM_000136.3 (MANE Select); coding-DNA position 532, G replaced by T.
Protein change: p.Glu178Ter; replaces glutamic acid 178 with a stop codon.
Molecular consequence: nonsense.
Genome position (GRCh38, 1-based): chr9:95,150,077, C>A on the plus strand (G>T on the coding strand, the complement: FANCC is on the minus strand). VCF-style: chr9-95150077-C-A. GRCh37 (hg19) VCF-style: chr9-97912359-C-A.
Other names: c.532G>T, p.Glu178Ter (NM_001243743.2, NM_001243744.2); short protein forms E178*.
Identifiers: ClinVar variation 2074990 (VCV002074990.5), dbSNP rs554302947, ClinGen allele CA374109875.